The following is an entry in ClinVar:

ClinVar aggregate classification (germline): Uncertain significance. Review status: criteria provided, multiple submitters, no conflicts (2 of 4 stars). 2 submissions from 2 submitters: Uncertain significance (2). Last evaluated 2025-10-12.

Conditions:
Juvenile polyposis syndrome (JPS). Identifiers: Orphanet 2929, MedGen C0345893, MONDO:0017380, OMIM 174900.
Familial thoracic aortic aneurysm and aortic dissection (TAAD). Also called: Thoracic aortic aneurysms and dissections. Identifiers: Orphanet 91387, MedGen C4707243, MONDO:0019625.
Hereditary cancer-predisposing syndrome. Also called: Tumor predisposition; Hereditary Cancer Syndrome; Hereditary neoplastic syndrome; Neoplastic Syndromes, Hereditary. Identifiers: Orphanet 140162, MedGen C0027672, MeSH D009386, MONDO:0015356.

Submissions (2):

Ambry Genetics
Classification: Uncertain significance for Hereditary cancer-predisposing syndrome; Familial thoracic aortic aneurysm and aortic dissection. Last evaluated: 2025-10-12. Review status: criteria provided, single submitter. Criteria: Ambry Variant Classification Scheme 2023. Collection method: clinical testing. Allele origin: germline.
Comment: The p.V136I variant (also known as c.406G>A), located in coding exon 2 of the SMAD4 gene, results from a G to A substitution at nucleotide position 406. The valine at codon 136 is replaced by isoleucine, an amino acid with highly similar properties. This amino acid position is conserved. In addition, the in silico prediction for this alteration is inconclusive. Based on the available evidence, the clinical significance of this variant remains unclear.

Labcorp Genetics (formerly Invitae), Labcorp
Classification: Uncertain significance for Juvenile polyposis syndrome. Last evaluated: 2024-09-04. Review status: criteria provided, single submitter. Criteria: Invitae Variant Classification Sherloc (09022015). Collection method: clinical testing. Allele origin: germline.
Comment: This sequence change replaces valine, which is neutral and non-polar, with isoleucine, which is neutral and non-polar, at codon 136 of the SMAD4 protein (p.Val136Ile). This variant is not present in population databases (gnomAD no frequency). This variant has not been reported in the literature in individuals affected with SMAD4-related conditions. ClinVar contains an entry for this variant (Variation ID: 2064962). Invitae Evidence Modeling of protein sequence and biophysical properties (such as structural, functional, and spatial information, amino acid conservation, physicochemical variation, residue mobility, and thermodynamic stability) has been performed for this missense variant. However, the output from this modeling did not meet the statistical confidence thresholds required to predict the impact of this variant on SMAD4 protein function. In summary, the available evidence is currently insufficient to determine the role of this variant in disease. Therefore, it has been classified as a Variant of Uncertain Significance.

NM_005359.6(SMAD4):c.406G>A (p.Val136Ile)

Gene: SMAD4 (SMAD family member 4; plus strand). Cytogenetic location: 18q21.2.
Variant type: single nucleotide variant.
Coding change: c.406G>A on transcript NM_005359.6 (MANE Select); coding-DNA position 406, G replaced by A.
Protein change: p.Val136Ile; replaces valine 136 with isoleucine.
Molecular consequence: missense variant.
Genome position (GRCh38, 1-based): chr18:51,048,842, G>A. VCF-style: chr18-51048842-G-A. GRCh37 (hg19) VCF-style: chr18-48575212-G-A.
Other names: c.406G>A, p.Val136Ile (NM_001407041.1, NM_001407042.1, NM_001407043.1); short protein forms V136I.
Identifiers: ClinVar variation 2064962 (VCV002064962.5), dbSNP rs2144406229, ClinGen allele CA402458803.
Genomic context (GRCh38, chr18:51,048,842, plus strand): 5'-CAGTATGCGTTTGACTTAAAATGTGATAGTGTCTGTGTGAATCCATATCACTACGAACGA[G>A]TTGTATCACCTGGAATTGGTAAGTAGACTTTGCTTTCATCCTAAGAAACATAAAGGGAAA-3'
Protein context (NP_005350.1, residues 126-146): VCVNPYHYER[Val136Ile]VSPGIDLSGL